The following is an entry in ClinVar:

ClinVar aggregate classification (germline): Uncertain significance. Review status: criteria provided, multiple submitters, no conflicts (2 of 4 stars). 5 submissions from 5 submitters: Uncertain significance (5). Last evaluated 2024-05-14.

Conditions:
Inborn genetic diseases. Identifiers: MedGen C0950123, MeSH D030342.
Glucocorticoid deficiency with achalasia (AAAS). Also called: Addisonian achalasia syndrome; AAA syndrome; Allgrove syndrome; Achalasia-addisonianism-alacrimia syndrome; Achalasia-Addisonianism-Alacrima (Triple-A) Syndrome; Triple-A syndrome. Identifiers: Orphanet 869, MedGen C0271742, MONDO:0009279, OMIM 231550.

Allele frequency attached by ClinVar (database versions not stated): gnomAD 0.00005; gnomAD exomes 0.00007 and 0.00015; TOPMed 0.00014; 1000 Genomes Project 30x 0.00016; ExAC 0.00016; 1000 Genomes Project 0.00020.
gnomAD v4.1: 115 of 1,613,448 alleles (0.0071%); highest among the groups gnomAD compares: Middle Eastern, 0.31%; no homozygotes.

Submissions (5):

Ambry Genetics
Classification: Uncertain significance for Inborn genetic diseases. Last evaluated: 2024-05-14. Review status: criteria provided, single submitter. Criteria: Ambry Variant Classification Scheme 2023. Collection method: clinical testing. Allele origin: germline.

Women's Health and Genetics/Laboratory Corporation of America, LabCorp
Classification: Uncertain significance. Last evaluated: 2022-04-07. Review status: criteria provided, single submitter. Criteria: LabCorp Variant Classification Summary - May 2015. Collection method: clinical testing. Allele origin: germline.
Comment: Variant summary: AAAS c.772C>T (p.Arg258Trp) results in a non-conservative amino acid change in the encoded protein sequence. Three of five in-silico tools predict a benign effect of the variant on protein function. The variant allele was found at a frequency of 0.00015 in 247846 control chromosomes. This frequency is not significantly higher than expected for a pathogenic variant in AAAS causing Glucocorticoid Deficiency With Achalasia (0.00015 vs 0.0011), allowing no conclusion about variant significance. To our knowledge, no occurrence of c.772C>T in individuals affected with Glucocorticoid Deficiency With Achalasia and no experimental evidence demonstrating its impact on protein function have been reported. No clinical diagnostic laboratories have submitted clinical-significance assessments for this variant to ClinVar after 2014. Based on the evidence outlined above, the variant was classified as uncertain significance.

Revvity Omics, Revvity
Classification: Uncertain significance for Glucocorticoid deficiency with achalasia. Last evaluated: 2021-11-23. Review status: criteria provided, single submitter. Criteria: ACMG Guidelines, 2015. Collection method: clinical testing. Allele origin: germline.

Labcorp Genetics (formerly Invitae), Labcorp
Classification: Uncertain significance. Last evaluated: 2021-09-24. Review status: criteria provided, single submitter. Criteria: Invitae Variant Classification Sherloc (09022015). Collection method: clinical testing. Allele origin: germline.
Comment: This sequence change replaces arginine with tryptophan at codon 258 of the AAAS protein (p.Arg258Trp). The arginine residue is weakly conserved and there is a moderate physicochemical difference between arginine and tryptophan. This variant is present in population databases (rs182489063, ExAC 0.09%). This variant has not been reported in the literature in individuals affected with AAAS-related conditions. ClinVar contains an entry for this variant (Variation ID: 1027994). Algorithms developed to predict the effect of missense changes on protein structure and function output the following: SIFT: "Tolerated"; PolyPhen-2: "Benign"; Align-GVGD: "Class C0". The tryptophan amino acid residue is found in multiple mammalian species, which suggests that this missense change does not adversely affect protein function. In summary, the available evidence is currently insufficient to determine the role of this variant in disease. Therefore, it has been classified as a Variant of Uncertain Significance.

Baylor Genetics
Classification: Uncertain significance for Glucocorticoid deficiency with achalasia. Last evaluated: 2019-12-09. Review status: criteria provided, single submitter. Criteria: ACMG Guidelines, 2015. Collection method: clinical testing. Allele origin: unknown. Affected: yes.
Comment: This variant was determined to be of uncertain significance according to ACMG Guidelines, 2015 [PMID:25741868].

NM_015665.6(AAAS):c.772C>T (p.Arg258Trp)

Gene: AAAS (aladin WD repeat nucleoporin; minus strand). Cytogenetic location: 12q13.13.
Variant type: single nucleotide variant.
Coding change: c.772C>T on transcript NM_015665.6 (MANE Select); coding-DNA position 772, C replaced by T.
Protein change: p.Arg258Trp; replaces arginine 258 with tryptophan.
Molecular consequence: missense variant.
Genome position (GRCh38, 1-based): chr12:53,309,639, G>A on the plus strand (C>T on the coding strand, the complement: AAAS is on the minus strand). VCF-style: chr12-53309639-G-A. GRCh37 (hg19) VCF-style: chr12-53703423-G-A.
Other names: c.673C>T, p.Arg225Trp (NM_001173466.2); short protein forms R258W, R225W.
Identifiers: ClinVar variation 1027994 (VCV001027994.10), dbSNP rs182489063, ClinGen allele CA6599106.
Genomic context (GRCh38, chr12:53,309,639, plus strand): 5'-TGAGGGGCAGGGACCCACTCACCCGGATAGCAGCATCCACGGGTGAAGCTGAGAGCAGCC[G>A]CCCCCCACTGGGGGCCCAGGCCAAGCTGGTAACAGGTGTATGCCCAGGGTGAGACAGCAC-3'
Protein context (NP_056480.1, residues 248-268): TSLAWAPSGG[Arg258Trp]LLSASPVDAA